The following is an entry in ClinVar:

NM_001378454.1(ALMS1):c.10994G>A (p.Gly3665Asp)

Gene: ALMS1 (ALMS1 centrosome and basal body associated protein; plus strand). Cytogenetic location: 2p13.1.
Variant type: single nucleotide variant.
Coding change: c.10994G>A on transcript NM_001378454.1 (MANE Select); coding-DNA position 10994, G replaced by A.
Protein change: p.Gly3665Asp; replaces glycine 3665 with aspartic acid.
Molecular consequence: missense variant.
Genome position (GRCh38, 1-based): chr2:73,572,871, G>A. VCF-style: chr2-73572871-G-A. GRCh37 (hg19) VCF-style: chr2-73799998-G-A.
Other names: c.10997G>A, p.Gly3666Asp (NM_015120.4); short protein forms G3666D, G3665D.
Identifiers: ClinVar variation 1791412 (VCV001791412.4), dbSNP rs1028879206, ClinGen allele CA50386604.

ClinVar aggregate classification (germline): Uncertain significance. Review status: criteria provided, multiple submitters, no conflicts (2 of 4 stars). 2 submissions from 2 submitters: Uncertain significance (2). Last evaluated 2026-10-21.

Conditions:
Cardiovascular phenotype. Identifiers: MedGen CN230736.

Allele frequency attached by ClinVar (database versions not stated): gnomAD 0.00001.
gnomAD v4.1: 14 of 1,613,914 alleles (0.00087%); highest among the groups gnomAD compares: Admixed American, 0.0017%; no homozygotes.

Submissions (2):

GeneDx
Classification: Uncertain significance. Last evaluated: 2026-10-21. Review status: criteria provided, single submitter. Criteria: GeneDx Variant Classification Process June 2021. Collection method: clinical testing. Allele origin: germline.
Comment: Not observed at significant frequency in large population cohorts (gnomAD); In silico analysis suggests that this missense variant does not alter protein structure/function; Has not been previously published as pathogenic or benign to our knowledge

Ambry Genetics
Classification: Uncertain significance for Cardiovascular phenotype. Last evaluated: 2022-09-13. Review status: criteria provided, single submitter. Criteria: Ambry Variant Classification Scheme 2023. Collection method: clinical testing. Allele origin: germline.
Comment: The p.G3666D variant (also known as c.10997G>A), located in coding exon 16 of the ALMS1 gene, results from a G to A substitution at nucleotide position 10997. The glycine at codon 3666 is replaced by aspartic acid, an amino acid with similar properties. This amino acid position is poorly conserved in available vertebrate species. In addition, the in silico prediction for this alteration is inconclusive. Since supporting evidence is limited at this time, the clinical significance of this alteration remains unclear.